The following is an entry in ClinVar:

ClinVar aggregate classification (germline): Uncertain significance (1 of 4 stars; one submission).

Conditions:
Congenital heart defects, dysmorphic facial features, and intellectual developmental disorder (CHDFIDD). Identifiers: Orphanet 646278, MedGen C4479246, MONDO:0044302, OMIM 617360.

gnomAD v4.1: 1 of 1,294,968 alleles (0.000077%); highest among the groups gnomAD compares: South Asian, 0.0025%; no homozygotes.

Submission:

Dasa
Classification: Uncertain significance for Congenital heart defects, dysmorphic facial features, and intellectual developmental disorder. Last evaluated: 2024-10-07. Review status: criteria provided, single submitter. Criteria: DASA Assertion Criteria. Collection method: clinical testing. Allele origin: germline.
Comment: NM_003718.5(CDK13):c.387C>A (p.Asp129Glu) is a missense variant that results in the substitution of aspartic acid with glutamic acid. This variant is rare in population databases. Computational prediction algorithms are consistent with a benign effect. The currently available literature and clinical evidence are not sufficient to establish a definitive association between this variant and the reported condition. Therefore, this variant is classified as a variant of uncertain significance.

NM_003718.5(CDK13):c.387C>A (p.Asp129Glu)

Genes: CDK13 (cyclin dependent kinase 13; plus strand), LOC129998292 (ATAC-STARR-seq lymphoblastoid silent region 18115; plus strand). Cytogenetic location: 7p14.1.
Variant type: single nucleotide variant.
Coding change: c.387C>A on transcript NM_003718.5 (MANE Select); coding-DNA position 387, C replaced by A.
Protein change: p.Asp129Glu; replaces aspartic acid 129 with glutamic acid.
Molecular consequence: missense variant.
Genome position (GRCh38, 1-based): chr7:39,951,028, C>A. VCF-style: chr7-39951028-C-A. GRCh37 (hg19) VCF-style: chr7-39990627-C-A.
Other names: c.387C>A, p.Asp129Glu (NM_031267.4); short protein forms D129E.
Identifiers: ClinVar variation 4881309 (VCV004881309.2).